The following is an entry in ClinVar:

NM_001040108.2(MLH3):c.1523T>C (p.Phe508Ser)

Gene: MLH3 (mutL homolog 3; minus strand). Cytogenetic location: 14q24.3.
Variant type: single nucleotide variant.
Coding change: c.1523T>C on transcript NM_001040108.2 (MANE Select); coding-DNA position 1523, T replaced by C.
Protein change: p.Phe508Ser; replaces phenylalanine 508 with serine.
Molecular consequence: missense variant.
Genome position (GRCh38, 1-based): chr14:75,048,133, A>G on the plus strand (T>C on the coding strand, the complement: MLH3 is on the minus strand). VCF-style: chr14-75048133-A-G. GRCh37 (hg19) VCF-style: chr14-75514836-A-G.
Other names: c.1523T>C, p.Phe508Ser (NM_014381.3); short protein forms F508S.
Identifiers: ClinVar variation 1774481 (VCV001774481.3), dbSNP rs2139581522, ClinGen allele CA390445223.

ClinVar aggregate classification (germline): Uncertain significance (1 of 4 stars; one submission).

Submission:

Ambry Genetics
Classification: Uncertain significance. Last evaluated: 2025-02-24. Review status: criteria provided, single submitter. Criteria: Ambry Variant Classification Scheme 2023. Collection method: clinical testing. Allele origin: germline.
Comment: The p.F508S variant (also known as c.1523T>C), located in coding exon 1 of the MLH3 gene, results from a T to C substitution at nucleotide position 1523. The phenylalanine at codon 508 is replaced by serine, an amino acid with highly dissimilar properties. This amino acid position is conserved. In addition, this alteration is predicted to be tolerated by in silico analysis. Since supporting evidence is limited at this time, the clinical significance of this alteration remains unclear.